The following is an entry in ClinVar:

NM_001376.5(DYNC1H1):c.13777G>A (p.Val4593Ile)

Gene: DYNC1H1 (dynein cytoplasmic 1 heavy chain 1; plus strand). Cytogenetic location: 14q32.31.
Variant type: single nucleotide variant.
Coding change: c.13777G>A on transcript NM_001376.5 (MANE Select); coding-DNA position 13777, G replaced by A.
Protein change: p.Val4593Ile; replaces valine 4593 with isoleucine.
Molecular consequence: missense variant.
Genome position (GRCh38, 1-based): chr14:102,050,163, G>A. VCF-style: chr14-102050163-G-A. GRCh37 (hg19) VCF-style: chr14-102516500-G-A.
Other names: short protein forms V4593I.
Identifiers: ClinVar variation 1052098 (VCV001052098.13), dbSNP rs750566844, ClinGen allele CA266990001.

ClinVar aggregate classification (germline): Uncertain significance. Review status: criteria provided, multiple submitters, no conflicts (2 of 4 stars). 3 submissions from 3 submitters: Uncertain significance (3). Last evaluated 2023-01-13.

Conditions:
Charcot-Marie-Tooth disease axonal type 2O. Also called: CHARCOT-MARIE-TOOTH NEUROPATHY, AXONAL, TYPE 2O; CHARCOT-MARIE-TOOTH DISEASE, AXONAL, AUTOSOMAL DOMINANT, TYPE 2O; Charcot-Marie-Tooth Neuropathy Type 2O; Charcot-Marie-Tooth disease, axonal, type 20. Identifiers: Orphanet 284232, MedGen C3280220, MONDO:0013644, OMIM 614228.
Cortical dysplasia, complex, with other brain malformations 13. Also called: Intellectual disability, autosomal dominant 13. Identifiers: MedGen C3281202, MONDO:0013805, OMIM 614563.
Autosomal dominant childhood-onset proximal spinal muscular atrophy without contractures. Also called: Spinal muscular atrophy, lower extremity-predominant 1, AD; SPINAL MUSCULAR ATROPHY, CHILDHOOD, PROXIMAL, AUTOSOMAL DOMINANT; KUGELBERG-WELANDER SYNDROME, AUTOSOMAL DOMINANT; SPINAL MUSCULAR ATROPHY, JUVENILE, PROXIMAL, AUTOSOMAL DOMINANT. Identifiers: Orphanet 209341, Orphanet 363447, MedGen C5780022, MONDO:0008026, OMIM 158600.
Inborn genetic diseases. Identifiers: MedGen C0950123, MeSH D030342.

Allele frequency attached by ClinVar (database versions not stated): gnomAD exomes 0.00001.
gnomAD v4.1: 8 of 1,614,102 alleles (0.0005%); highest among the groups gnomAD compares: Non-Finnish European, 0.00068%; no homozygotes.

Submissions (3):

Labcorp Genetics (formerly Invitae), Labcorp
Classification: Uncertain significance for Charcot-Marie-Tooth disease axonal type 2O. Last evaluated: 2023-01-13. Review status: criteria provided, single submitter. Criteria: Invitae Variant Classification Sherloc (09022015). Collection method: clinical testing. Allele origin: germline.
Comment: In summary, the available evidence is currently insufficient to determine the role of this variant in disease. Therefore, it has been classified as a Variant of Uncertain Significance. Advanced modeling of protein sequence and biophysical properties (such as structural, functional, and spatial information, amino acid conservation, physicochemical variation, residue mobility, and thermodynamic stability) performed at Invitae indicates that this missense variant is not expected to disrupt DYNC1H1 protein function. ClinVar contains an entry for this variant (Variation ID: 1052098). This variant has not been reported in the literature in individuals affected with DYNC1H1-related conditions. This variant is not present in population databases (gnomAD no frequency). This sequence change replaces valine, which is neutral and non-polar, with isoleucine, which is neutral and non-polar, at codon 4593 of the DYNC1H1 protein (p.Val4593Ile).

GeneDx
Classification: Uncertain significance. Last evaluated: 2022-03-18. Review status: criteria provided, single submitter. Criteria: GeneDx Variant Classification Process June 2021. Collection method: clinical testing. Allele origin: germline. Affected: yes.
Comment: Not observed at significant frequency in large population cohorts (gnomAD); In silico analysis supports that this missense variant does not alter protein structure/function; Has not been previously published as pathogenic or benign to our knowledge; This variant is associated with the following publications: (PMID: 26100331, 25609763, 25512093)

Ambry Genetics
Classification: Uncertain significance for Inborn genetic diseases. Last evaluated: 2017-06-28. Review status: criteria provided, single submitter. Criteria: Ambry Variant Classification Scheme 2023. Collection method: clinical testing. Allele origin: germline.
Comment: The p.V4593I variant (also known as c.13777G>A), located in coding exon 77 of the DYNC1H1 gene, results from a G to A substitution at nucleotide position 13777. The valine at codon 4593 is replaced by isoleucine, an amino acid with highly similar properties. This amino acid position is poorly conserved in available vertebrate species. In addition, this alteration is predicted to be tolerated by in silico analysis. Since supporting evidence is limited at this time, the clinical significance of this alteration remains unclear.